The following is an entry in ClinVar:

ClinVar aggregate classification (germline): Likely benign (1 of 4 stars; one submission).

Allele frequency attached by ClinVar (database versions not stated): 1000 Genomes Project 0.00539; 1000 Genomes Project 30x 0.00640; TOPMed 0.01168; gnomAD 0.01226 and 0.01264.
gnomAD v4.1: 1,747 of 140,948 alleles (1.2%); highest among the groups gnomAD compares: Non-Finnish European, 1.9%; 18 homozygotes.

Submission:

GeneDx
Classification: Likely benign. Last evaluated: 2018-06-14. Review status: criteria provided, single submitter. Criteria: GeneDx Variant Classification (06012015). Collection method: clinical testing. Allele origin: germline. Affected: yes.
Comment: This variant is considered likely benign or benign based on one or more of the following criteria: it is a conservative change, it occurs at a poorly conserved position in the protein, it is predicted to be benign by multiple in silico algorithms, and/or has population frequency not consistent with disease.

NM_000722.4(CACNA2D1):c.1956-203G>A

Gene: CACNA2D1 (calcium voltage-gated channel auxiliary subunit alpha2delta 1; minus strand). Cytogenetic location: 7q21.11.
Variant type: single nucleotide variant.
Coding change: c.1956-203G>A on transcript NM_000722.4 (MANE Select); 203 bases into the intron before coding-DNA position 1956, G replaced by A.
Molecular consequence: intron variant.
Genome position (GRCh38, 1-based): chr7:81,974,755, C>T on the plus strand (G>A on the coding strand, the complement: CACNA2D1 is on the minus strand). VCF-style: chr7-81974755-C-T. GRCh37 (hg19) VCF-style: chr7-81604071-C-T.
Other names: c.1992-203G>A (NM_001366867.1).
Identifiers: ClinVar variation 675418 (VCV000675418.1), dbSNP rs17240798, ClinGen allele CA161125848.